The following is an entry in ClinVar:

NM_006045.3(ATP9A):c.1570A>G (p.Met524Val)

Genes: ATP9A (ATPase phospholipid transporting 9A; minus strand), LOC121853013 (Sharpr-MPRA regulatory region 9373; plus strand). Cytogenetic location: 20q13.2.
Variant type: single nucleotide variant.
Coding change: c.1570A>G on transcript NM_006045.3 (MANE Select); coding-DNA position 1570, A replaced by G.
Protein change: p.Met524Val; replaces methionine 524 with valine.
Molecular consequence: missense variant.
Genome position (GRCh38, 1-based): chr20:51,639,441, T>C on the plus strand (A>G on the coding strand, the complement: ATP9A is on the minus strand). VCF-style: chr20-51639441-T-C. GRCh37 (hg19) VCF-style: chr20-50255980-T-C.
Other names: short protein forms M524V.
Identifiers: ClinVar variation 2527447 (VCV002527447.4), dbSNP rs202089710, ClinGen allele CA9911330.
Genomic context (GRCh38, chr20:51,639,441, plus strand): 5'-AAGGGAAGATCTGTAGGATGGTGAAGTTCAGGATCTGGTCGCCAGGGGTCCTCAGCTGCA[T>C]GGAAGACTGGTCTCGGCCCACCAGGGTTAAGCCCACACTTTCCGTCCACTGTACCAGGGC-3'
Protein context (NP_006036.1, residues 514-534): LTLVGRDQSS[Met524Val]QLRTPGDQIL

ClinVar aggregate classification (germline): Uncertain significance. Review status: criteria provided, multiple submitters, no conflicts (2 of 4 stars). 2 submissions from 2 submitters: Uncertain significance (2). Last evaluated 2026-02-13.

Conditions:
Neurodevelopmental disorder with poor growth and behavioral abnormalities (NEDGBA). Identifiers: MedGen C5830273, MONDO:0859377, OMIM 620242.
Inborn genetic diseases. Identifiers: MedGen C0950123, MeSH D030342.

Allele frequency attached by ClinVar (database versions not stated): ExAC 0.00004; TOPMed 0.00010; gnomAD 0.00012.
gnomAD v4.1: 237 of 1,614,050 alleles (0.015%); highest among the groups gnomAD compares: Non-Finnish European, 0.018%; no homozygotes.

Submissions (2):

OLLIN Analises Genomicas, OLLIN
Classification: Uncertain significance for Neurodevelopmental disorder with poor growth and behavioral abnormalities. Last evaluated: 2026-02-13. Review status: criteria provided, single submitter. Criteria: ACMG Guidelines 2015 PMID 25741868. Collection method: clinical testing. Allele origin: germline. Observed: 1 variant allele.
Comment: PM2_P, BP4_M

Ambry Genetics
Classification: Uncertain significance for Inborn genetic diseases. Last evaluated: 2025-06-16. Review status: criteria provided, single submitter. Criteria: Ambry Variant Classification Scheme 2023. Collection method: clinical testing. Allele origin: germline.